The following is an entry in ClinVar:

NM_000038.6(APC):c.6306A>G (p.Lys2102=)

Gene: APC (APC regulator of Wnt signaling pathway; plus strand). Cytogenetic location: 5q22.2.
Variant type: single nucleotide variant.
Coding change: c.6306A>G on transcript NM_000038.6 (MANE Select); coding-DNA position 6306, A replaced by G.
Protein change: p.Lys2102=; no amino-acid change (lysine 2102 retained).
Molecular consequence: synonymous variant. On other transcripts: non-coding transcript variant (2).
Genome position (GRCh38, 1-based): chr5:112,841,900, A>G. VCF-style: chr5-112841900-A-G. GRCh37 (hg19) VCF-style: chr5-112177597-A-G.
Other names: c.6306A>G, p.Lys2102= (NM_001127510.3, NM_001354895.2, NM_001407450.1); c.6252A>G, p.Lys2084= (NM_001127511.3); c.6360A>G, p.Lys2120= (NM_001354896.2, NM_001407447.1, NM_001407448.1 and 1 more transcripts); c.6336A>G, p.Lys2112= (NM_001354897.2); c.6231A>G, p.Lys2077= (NM_001354898.2); c.6222A>G, p.Lys2074= (NM_001354899.2); c.6183A>G, p.Lys2061= (NM_001354900.2); c.6129A>G, p.Lys2043= (NM_001354901.2, NM_001407453.1); and 12 more.
Identifiers: ClinVar variation 2110570 (VCV002110570.6), dbSNP rs2149961970, ClinGen allele CA446209514.

ClinVar aggregate classification (germline): Benign/Likely benign. Review status: criteria provided, multiple submitters, no conflicts (2 of 4 stars). 3 submissions from 3 submitters: Benign (1); Likely benign (2). Last evaluated 2025-12-06.

Conditions:
Hereditary cancer-predisposing syndrome. Also called: Neoplastic Syndromes, Hereditary; Hereditary Cancer Syndrome; Hereditary neoplastic syndrome; Tumor predisposition. Identifiers: Orphanet 140162, MedGen C0027672, MeSH D009386, MONDO:0015356.
Familial adenomatous polyposis 1 (FAP1). Also called: POLYPOSIS, ADENOMATOUS INTESTINAL; FAMILIAL ADENOMATOUS POLYPOSIS 1, ATTENUATED. Identifiers: MedGen C2713442, MONDO:0021056, OMIM 175100. Disease mechanism: loss of function.

Allele frequency attached by ClinVar (database versions not stated): gnomAD exomes 0.00001.
gnomAD v4.1: 7 of 1,614,014 alleles (0.00043%); highest among the groups gnomAD compares: South Asian, 0.0011%; no homozygotes.

Submissions (3):

Ambry Genetics
Classification: Likely benign for Hereditary cancer-predisposing syndrome. Last evaluated: 2025-12-06. Review status: criteria provided, single submitter. Criteria: Ambry Variant Classification Scheme 2023. Collection method: clinical testing. Allele origin: germline.

Labcorp Genetics (formerly Invitae), Labcorp
Classification: Likely benign for Familial adenomatous polyposis 1. Last evaluated: 2024-09-19. Review status: criteria provided, single submitter. Criteria: Invitae Variant Classification Sherloc (09022015). Collection method: clinical testing. Allele origin: germline.

Myriad Genetics, Inc.
Classification: Benign for Familial adenomatous polyposis 1. Last evaluated: 2024-04-04. Review status: criteria provided, single submitter. Criteria: Myriad Autosomal Dominant, Autosomal Recessive and X-Linked Classification Criteria (2023). Collection method: clinical testing. Allele origin: unknown.
Comment: This variant is considered benign. This variant is a silent/synonymous amino acid change and it is not expected to impact splicing.